The following is an entry in ClinVar:

ClinVar aggregate classification (germline): Pathogenic (1 of 4 stars; one submission).

Conditions:
Pyruvate dehydrogenase E1-alpha deficiency (PDHAD). Also called: ATAXIA, INTERMITTENT, WITH ABNORMAL PYRUVATE METABOLISM; ATAXIA, INTERMITTENT, WITH PYRUVATE DEHYDROGENASE DEFICIENCY; ATAXIA WITH LACTIC ACIDOSIS I; Ataxia, intermittent, with pyruvate dehydrogenase, or decarboxylase, deficiency. Identifiers: Orphanet 79243, MedGen C1839413, MONDO:0010717, OMIM 312170.

Submission:

Labcorp Genetics (formerly Invitae), Labcorp
Classification: Pathogenic for Pyruvate dehydrogenase E1-alpha deficiency. Last evaluated: 2019-05-01. Review status: criteria provided, single submitter. Criteria: Invitae Variant Classification Sherloc (09022015). Collection method: clinical testing. Allele origin: germline.
Comment: For these reasons, this variant has been classified as Pathogenic. Loss-of-function variants in PDHA1 are known to be pathogenic (PMID: 10679936, 21914562). Algorithms developed to predict the effect of sequence changes on RNA splicing suggest that this variant may create or strengthen a splice site, but this prediction has not been confirmed by published transcriptional studies. This variant is not present in population databases (ExAC no frequency). This sequence change creates a premature translational stop signal (p.Met294Ilefs*4) in the PDHA1 gene. It is expected to result in an absent or disrupted protein product.

Literature cited by the submitters: PubMed 10679936; PubMed 21914562.

NM_000284.4(PDHA1):c.874_881dup (p.Met294fs)

Gene: PDHA1 (pyruvate dehydrogenase E1 subunit alpha 1; plus strand). Cytogenetic location: Xp22.12.
Variant type: Duplication.
Coding change: c.874_881dup on transcript NM_000284.4 (MANE Select); coding-DNA positions 874 to 881, 8 bases duplicated (CACAGTAT; older notation c.874_881dupCACAGTAT).
Protein change: p.Met294fs; shifts the reading frame from methionine 294.
Molecular consequence: frameshift variant.
Genome position (GRCh38, 1-based): chrX:19,357,694-19,357,701, CACAGTAT duplicated. VCF-style (leftmost placement, unchanged base first): chrX-19357693-A-ACACAGTAT. GRCh37 (hg19) VCF-style: chrX-19375811-A-ACACAGTAT.
Other names: c.988_995dup, p.Met332fs (NM_001173454.2); c.895_902dup, p.Met301fs (NM_001173455.2); c.781_788dup, p.Met263fs (NM_001173456.2); short protein forms M332fs, M263fs, M294fs, M301fs.
Identifiers: ClinVar variation 842254 (VCV000842254.8), dbSNP rs2063213396, ClinGen allele CA916083855.